The following is an entry in ClinVar:

ClinVar aggregate classification (germline): Likely benign (1 of 4 stars; one submission).

Allele frequency attached by ClinVar (database versions not stated): 1000 Genomes Project 0.00240; 1000 Genomes Project 30x 0.00250; TOPMed 0.00448.

Submission:

CeGaT Center for Human Genetics Tuebingen
Classification: Likely benign. Last evaluated: 2026-09-01. Review status: criteria provided, single submitter. Criteria: CeGaT Center For Human Genetics Tuebingen Variant Classification Criteria Version 2. Collection method: clinical testing. Allele origin: germline. Affected: yes. Observed: 9 variant alleles.
Comment: PDGFB: BS2

NM_002608.4(PDGFB):c.64-2817G>C

Gene: PDGFB (platelet derived growth factor subunit B; minus strand). Cytogenetic location: 22q13.1.
Variant type: single nucleotide variant.
Coding change: c.64-2817G>C on transcript NM_002608.4 (MANE Select); 2817 bases into the intron before coding-DNA position 64, G replaced by C.
Molecular consequence: intron variant.
Genome position (GRCh38, 1-based): chr22:39,238,691, C>G on the plus strand (G>C on the coding strand, the complement: PDGFB is on the minus strand). VCF-style: chr22-39238691-C-G. GRCh37 (hg19) VCF-style: chr22-39634696-C-G.
Other names: c.18+2164G>C (NM_033016.3).
Identifiers: ClinVar variation 2653143 (VCV002653143.24), dbSNP rs146003655, ClinGen allele CA324365726.